The following is an entry in ClinVar:

ClinVar aggregate classification (germline): Uncertain significance (1 of 4 stars; one submission).

Submission:

Ambry Genetics
Classification: Uncertain significance. Last evaluated: 2022-09-16. Review status: criteria provided, single submitter. Criteria: Ambry Variant Classification Scheme 2023. Collection method: clinical testing. Allele origin: germline.
Comment: The p.N2167D variant (also known as c.6499A>G), located in coding exon 21 of the POLQ gene, results from an A to G substitution at nucleotide position 6499. The asparagine at codon 2167 is replaced by aspartic acid, an amino acid with highly similar properties. This amino acid position is conserved. In addition, this alteration is predicted to be tolerated by in silico analysis. Since supporting evidence is limited at this time, the clinical significance of this alteration remains unclear.

NM_199420.4(POLQ):c.6499A>G (p.Asn2167Asp)

Gene: POLQ (DNA polymerase theta; minus strand). Cytogenetic location: 3q13.33.
Variant type: single nucleotide variant.
Coding change: c.6499A>G on transcript NM_199420.4 (MANE Select); coding-DNA position 6499, A replaced by G.
Protein change: p.Asn2167Asp; replaces asparagine 2167 with aspartic acid.
Molecular consequence: missense variant.
Genome position (GRCh38, 1-based): chr3:121,473,394, T>C on the plus strand (A>G on the coding strand, the complement: POLQ is on the minus strand). VCF-style: chr3-121473394-T-C. GRCh37 (hg19) VCF-style: chr3-121192241-T-C.
Other names: short protein forms N2167D.
Identifiers: ClinVar variation 1753854 (VCV001753854.2), dbSNP rs2546774532, ClinGen allele CA354085900.
Genomic context (GRCh38, chr3:121,473,394, plus strand): 5'-CTGCCCCAAAGAGCACCTTACTAGTGCTGAACTGTCTTCCCAGCCTTAGCTTGCGTCCAT[T>C]GTCAATCCCTCTTCTGGTAGAACCCAGAGTTTTCTTGCTGCCTTGGTTTTTCATCTCTCT-3'
Protein context (NP_955452.3, residues 2157-2177): TLGSTRRGID[Asn2167Asp]GRKLRLGRQF